The following is an entry in ClinVar:

ClinVar aggregate classification (germline): Benign/Likely benign. Review status: criteria provided, multiple submitters, no conflicts (2 of 4 stars). 3 submissions from 3 submitters: Benign (1); Likely benign (2). Last evaluated 2022-03-14.

Conditions:
Maturity-onset diabetes of the young (MODY). Also called: Maturity onset diabetes mellitus in young. Identifiers: Orphanet 552, MedGen C0342276, MONDO:0018911, HP:0004904.

Allele frequency attached by ClinVar (database versions not stated): gnomAD exomes below 0.00001; gnomAD 0.00001; TOPMed 0.00001.
gnomAD v4.1: 2 of 1,613,644 alleles (0.00012%); highest among the groups gnomAD compares: Admixed American, 0.0033%; no homozygotes.

Submissions (3):

Labcorp Genetics (formerly Invitae), Labcorp
Classification: Likely benign. Last evaluated: 2022-03-14. Review status: criteria provided, single submitter. Criteria: Invitae Variant Classification Sherloc (09022015). Collection method: clinical testing. Allele origin: germline.

GeneDx
Classification: Likely benign. Last evaluated: 2017-11-16. Review status: criteria provided, single submitter. Criteria: GeneDx Variant Classification (06012015). Collection method: clinical testing. Allele origin: germline. Affected: yes.
Comment: This variant is considered likely benign or benign based on one or more of the following criteria: it is a conservative change, it occurs at a poorly conserved position in the protein, it is predicted to be benign by multiple in silico algorithms, and/or has population frequency not consistent with disease.

Clinical Genomics, Uppaluri K&H Personalized Medicine Clinic
Classification: Benign for Maturity-onset diabetes of the young. Review status: criteria provided, single submitter. Criteria: K & H Uppaluri Personalized Medicine Clinic Variant Classification & Assertion Criteria_Updated V.1. Collection method: research. Allele origin: unknown. Inheritance: Autosomal dominant inheritance.
Comment: Mutations in HNF1A gene can predispose to MODY3. It is associated with both micro and macrovascular complications of diabetes, especially cardiovascular complications. Associated with glucosuria. May respond well to sulfonylureas. However, more evidence is required to confer the association of this particular variant rs1012229716 with MODY3.

Literature cited by the submitters: PubMed 31517624 (cited by Clinical Genomics, Uppaluri K&H Personalized Medicine Clinic); PubMed 32395877 (cited by Clinical Genomics, Uppaluri K&H Personalized Medicine Clinic); PubMed 35328643 (cited by Clinical Genomics, Uppaluri K&H Personalized Medicine Clinic); PubMed 35673428 (cited by Clinical Genomics, Uppaluri K&H Personalized Medicine Clinic).

NM_000545.8(HNF1A):c.1623+20G>A

Gene: HNF1A (HNF1 homeobox A; plus strand). Cytogenetic location: 12q24.31.
Variant type: single nucleotide variant.
Coding change: c.1623+20G>A on transcript NM_000545.8 (MANE Select); 20 bases into the intron after coding-DNA position 1623, G replaced by A.
Molecular consequence: intron variant.
Genome position (GRCh38, 1-based): chr12:120,999,409, G>A. VCF-style: chr12-120999409-G-A. GRCh37 (hg19) VCF-style: chr12-121437212-G-A.
Other names: c.1623+20G>A (NM_001306179.2).
Identifiers: ClinVar variation 513482 (VCV000513482.6), dbSNP rs1012229716, ClinGen allele CA244536144.